The following is an entry in ClinVar:

NM_001127898.4(CLCN5):c.2297del (p.Met766fs)

Genes: CLCN5 (chloride voltage-gated channel 5; plus strand), LOC126863258 (BRD4-independent group 4 enhancer GRCh37_chrX:49854497-49855696; plus strand). Cytogenetic location: Xp11.23.
Variant type: Deletion.
Coding change: c.2297del on transcript NM_001127898.4 (MANE Select); coding-DNA position 2297, one base deleted (T; older notation c.2297delT).
Protein change: p.Met766fs; shifts the reading frame from methionine 766.
Molecular consequence: frameshift variant.
Genome position (GRCh38, 1-based): chrX:50,090,823, T deleted. VCF-style (leftmost placement, unchanged base first): chrX-50090822-AT-A. GRCh37 (hg19) VCF-style: chrX-49855479-AT-A.
Other names: c.2087del, p.Met696fs (NM_000084.5); c.2297del, p.Met766fs (NM_001127899.4); c.2147del, p.Met716fs (NM_001282163.2); short protein forms M696fs, M766fs, M716fs.
Identifiers: ClinVar variation 1419029 (VCV001419029.6), dbSNP rs2147607713, ClinGen allele CA2573158927.

ClinVar aggregate classification (germline): Pathogenic (1 of 4 stars; one submission).

Submission:

Labcorp Genetics (formerly Invitae), Labcorp
Classification: Pathogenic. Last evaluated: 2021-10-02. Review status: criteria provided, single submitter. Criteria: Invitae Variant Classification Sherloc (09022015). Collection method: clinical testing. Allele origin: germline.
Comment: For these reasons, this variant has been classified as Pathogenic. Algorithms developed to predict the effect of sequence changes on RNA splicing suggest that this variant may create or strengthen a splice site. This variant has not been reported in the literature in individuals affected with CLCN5-related conditions. This variant is not present in population databases (ExAC no frequency). This sequence change creates a premature translational stop signal (p.Met696Argfs*4) in the CLCN5 gene. It is expected to result in an absent or disrupted protein product. Loss-of-function variants in CLCN5 are known to be pathogenic (PMID: 22876375, 25907713).

Literature cited by the submitters: PubMed 22876375; PubMed 25907713.